The following is an entry in ClinVar:

ClinVar aggregate classification (germline): Likely benign. Review status: criteria provided, multiple submitters, no conflicts (2 of 4 stars). 4 submissions from 4 submitters: Likely benign (2). 2 of the submissions do not count toward it. Last evaluated 2025-06-12.

Conditions:
Bardet-Biedl syndrome 10 (BBS10). Identifiers: Orphanet 110, MedGen C1859568, MONDO:0014438, OMIM 615987.
BBS10-related disorder. Also called: BBS10-related condition.
Bardet-Biedl syndrome (BBS). Identifiers: Orphanet 110, MedGen C0752166, MONDO:0015229.

Allele frequency attached by ClinVar (database versions not stated): gnomAD exomes 0.00001 and 0.00003; ExAC 0.00002; gnomAD 0.00006; TOPMed 0.00010; ESP Exome Variant Server 0.00015; 1000 Genomes Project 30x 0.00016.
gnomAD v4.1: 24 of 1,613,738 alleles (0.0015%); highest among the groups gnomAD compares: African/African-American, 0.031%; no homozygotes.

Submissions (4):

Labcorp Genetics (formerly Invitae), Labcorp
Classification: Likely benign for Bardet-Biedl syndrome. Last evaluated: 2025-06-12. Review status: criteria provided, single submitter. Criteria: Invitae Variant Classification Sherloc (09022015). Collection method: clinical testing. Allele origin: germline.

Blueprint Genetics
Classification: Likely benign. Last evaluated: 2023-02-15. Review status: criteria provided, single submitter. Criteria: ACMG Guidelines, 2015. Collection method: clinical testing. Allele origin: germline.

PreventionGenetics, part of Exact Sciences
Classification: Likely benign for BBS10-related condition. Last evaluated: 2023-02-09. Review status: no assertion criteria provided. Collection method: clinical testing. Allele origin: germline. Not counted in ClinVar's aggregate classification.
Comment: This variant is classified as likely benign based on ACMG/AMP sequence variant interpretation guidelines (Richards et al. 2015 PMID: 25741868, with internal and published modifications).

Natera, Inc.
Classification: Likely benign for Bardet-Biedl syndrome type 10. Last evaluated: 2021-03-08. Review status: no assertion criteria provided. Collection method: clinical testing. Allele origin: germline. Not counted in ClinVar's aggregate classification.

NM_024685.4(BBS10):c.429T>C (p.Gly143=)

Gene: BBS10 (Bardet-Biedl syndrome 10; minus strand). Cytogenetic location: 12q21.2.
Variant type: single nucleotide variant.
Coding change: c.429T>C on transcript NM_024685.4 (MANE Select); coding-DNA position 429, T replaced by C.
Protein change: p.Gly143=; no amino-acid change (glycine 143 retained).
Molecular consequence: synonymous variant.
Genome position (GRCh38, 1-based): chr12:76,347,556, A>G on the plus strand (T>C on the coding strand, the complement: BBS10 is on the minus strand). VCF-style: chr12-76347556-A-G. GRCh37 (hg19) VCF-style: chr12-76741336-A-G.
Identifiers: ClinVar variation 701208 (VCV000701208.15), dbSNP rs146587757, ClinGen allele CA6694348.